The following is an entry in ClinVar:

NM_001256789.3(CACNA1F):c.4861C>T (p.Arg1621Trp)

Genes: CACNA1F (calcium voltage-gated channel subunit alpha1 F; minus strand), LOC126863257 (BRD4-independent group 4 enhancer GRCh37_chrX:49065732-49066931; plus strand). Cytogenetic location: Xp11.23.
Variant type: single nucleotide variant.
Coding change: c.4861C>T on transcript NM_001256789.3 (MANE Select); coding-DNA position 4861, C replaced by T.
Protein change: p.Arg1621Trp; replaces arginine 1621 with tryptophan.
Molecular consequence: missense variant.
Genome position (GRCh38, 1-based): chrX:49,209,354, G>A on the plus strand (C>T on the coding strand, the complement: CACNA1F is on the minus strand). VCF-style: chrX-49209354-G-A. GRCh37 (hg19) VCF-style: chrX-49065814-G-A.
Other names: c.4699C>T, p.Arg1567Trp (NM_001256790.3); c.4894C>T, p.Arg1632Trp (NM_005183.4); short protein forms R1621W, R1567W, R1632W.
Identifiers: ClinVar variation 2968477 (VCV002968477.3), dbSNP rs2520741116, ClinGen allele CA412960049.
Genomic context (GRCh38, chrX:49,209,354, plus strand): 5'-CCTCCACTCCCTCCTGCCCCTCTTCTTCCTCCTCCTCTGTGTCACAGGTGAGGGCCTGCC[G>A]CATCTCAGGACCCAAGTCCTGCAGGCTCCGCAGACCAGCCTGTGGGGGTGGAGAAATAGG-3'
Protein context (NP_001243718.1, residues 1611-1631): RSLQDLGPEM[Arg1621Trp]QALTCDTEEE

ClinVar aggregate classification (germline): Uncertain significance (1 of 4 stars; one submission).

Submission:

Labcorp Genetics (formerly Invitae), Labcorp
Classification: Uncertain significance. Last evaluated: 2025-10-01. Review status: criteria provided, single submitter. Criteria: Invitae Variant Classification Sherloc (09022015). Collection method: clinical testing. Allele origin: germline.
Comment: This sequence change replaces arginine, which is basic and polar, with tryptophan, which is neutral and slightly polar, at codon 1632 of the CACNA1F protein (p.Arg1632Trp). This variant is not present in population databases (gnomAD no frequency). This variant has not been reported in the literature in individuals affected with CACNA1F-related conditions. ClinVar contains an entry for this variant (Variation ID: 2968477). An algorithm developed to predict the effect of missense changes on protein structure and function (PolyPhen-2) suggests that this variant is likely to be tolerated. In summary, the available evidence is currently insufficient to determine the role of this variant in disease. Therefore, it has been classified as a Variant of Uncertain Significance.